The following is an entry in ClinVar:

NM_000302.4(PLOD1):c.1090A>G (p.Met364Val)

Gene: PLOD1 (procollagen-lysine,2-oxoglutarate 5-dioxygenase 1; plus strand). Cytogenetic location: 1p36.22.
Variant type: single nucleotide variant.
Coding change: c.1090A>G on transcript NM_000302.4 (MANE Select); coding-DNA position 1090, A replaced by G.
Protein change: p.Met364Val; replaces methionine 364 with valine.
Molecular consequence: missense variant.
Genome position (GRCh38, 1-based): chr1:11,960,760, A>G. VCF-style: chr1-11960760-A-G. GRCh37 (hg19) VCF-style: chr1-12020817-A-G.
Other names: c.1231A>G, p.Met411Val (NM_001316320.2); short protein forms M364V, M411V.
Identifiers: ClinVar variation 5039365 (VCV005039365.1).
Genomic context (GRCh38, chr1:11,960,760, plus strand): 5'-TACCAGTCTGTGAAGCTGGTGGGCCCTGAGGTGCGGATGGCGAATGCAGATGCCAGGAAC[A>G]TGGGCGCGTGAGTTGTGGGCCACAGTACTCTCCACTGACAGTGGGGGCAGGGGAGCTGTG-3'
Protein context (NP_000293.2, residues 354-374): VRMANADARN[Met364Val]GADLCRQDRS

ClinVar aggregate classification (germline): Likely benign (1 of 4 stars; one submission).

gnomAD v4.1: 1 of 1,613,048 alleles (0.000062%); highest among the groups gnomAD compares: Non-Finnish European, 0.000085%; no homozygotes.

Submission:

CeGaT Center for Human Genetics Tuebingen
Classification: Likely benign. Last evaluated: 2026-07-01. Review status: criteria provided, single submitter. Criteria: CeGaT Center For Human Genetics Tuebingen Variant Classification Criteria Version 2. Collection method: clinical testing. Allele origin: germline. Affected: yes. Observed: 1 variant allele.
Comment: PLOD1: BP4